The following is an entry in ClinVar:

NM_000260.4(MYO7A):c.916A>C (p.Lys306Gln)

Gene: MYO7A (myosin VIIA; plus strand). Cytogenetic location: 11q13.5.
Variant type: single nucleotide variant.
Coding change: c.916A>C on transcript NM_000260.4 (MANE Select); coding-DNA position 916, A replaced by C.
Protein change: p.Lys306Gln; replaces lysine 306 with glutamine.
Molecular consequence: missense variant.
Genome position (GRCh38, 1-based): chr11:77,158,343, A>C. VCF-style: chr11-77158343-A-C. GRCh37 (hg19) VCF-style: chr11-76869389-A-C.
Other names: c.916A>C, p.Lys306Gln (NM_001127180.2); c.883A>C, p.Lys295Gln (NM_001369365.1); short protein forms K295Q, K306Q.
Identifiers: ClinVar variation 3634250 (VCV003634250.2).

ClinVar aggregate classification (germline): Uncertain significance (1 of 4 stars; one submission).

Submission:

Labcorp Genetics (formerly Invitae), Labcorp
Classification: Uncertain significance. Last evaluated: 2024-07-12. Review status: criteria provided, single submitter. Criteria: Invitae Variant Classification Sherloc (09022015). Collection method: clinical testing. Allele origin: germline.
Comment: This sequence change replaces lysine, which is basic and polar, with glutamine, which is neutral and polar, at codon 306 of the MYO7A protein (p.Lys306Gln). This variant is not present in population databases (gnomAD no frequency). This variant has not been reported in the literature in individuals affected with MYO7A-related conditions. Advanced modeling of protein sequence and biophysical properties (such as structural, functional, and spatial information, amino acid conservation, physicochemical variation, residue mobility, and thermodynamic stability) performed at Invitae indicates that this missense variant is not expected to disrupt MYO7A protein function with a negative predictive value of 95%. Algorithms developed to predict the effect of sequence changes on RNA splicing suggest that this variant may create or strengthen a splice site. In summary, the available evidence is currently insufficient to determine the role of this variant in disease. Therefore, it has been classified as a Variant of Uncertain Significance.